The following is an entry in ClinVar:

Single allele

Genes: RAI2 (retinoic acid induced 2; minus strand), BEND2 (BEN domain containing 2; minus strand), LINC01456 (long independently transcribed non-coding RNA 1456; minus strand), NHS (NHS actin remodeling regulator; plus strand), SCML1 (Scm polycomb group protein like 1; plus strand) and 3 more. Cytogenetic location: Xp22.13.
Variant type: Duplication.
Identifiers: ClinVar variation 5021144 (VCV005021144.1).

ClinVar aggregate classification (germline): Uncertain significance (1 of 4 stars; one submission).

Conditions:
Spermatogenic Failure. Identifiers: MedGen C3553794, MONDO:0004983.

Submission:

Conrad Lab, Oregon Health and Science University
Classification: Uncertain significance for Spermatogenic Failure. Last evaluated: 2026-09-29. Review status: criteria provided, single submitter. Criteria: ACMG Guidelines, 2015. Collection method: research. Allele origin: germline. Affected: yes. Observed: 1 variant allele. Study: GEMINI.
Comment: The locus contains genes relevant to spermatogenesis, including BEND2, and flanking segmental duplications suggest a recurrent rearrangement mechanism. Evidence concerning deletions or loss-of-function alleles does not establish pathogenicity of the reciprocal duplication. The manuscript reports rarity in population data but insufficient evidence for a causal dosage effect, supporting Uncertain significance. Submitted coordinates are exome-derived minimum bounds, not the inferred segmental-duplication junctions.